The following is an entry in ClinVar:

NM_001378454.1(ALMS1):c.2746A>G (p.Ile916Val)

Gene: ALMS1 (ALMS1 centrosome and basal body associated protein; plus strand). Cytogenetic location: 2p13.1.
Variant type: single nucleotide variant.
Coding change: c.2746A>G on transcript NM_001378454.1 (MANE Select); coding-DNA position 2746, A replaced by G.
Protein change: p.Ile916Val; replaces isoleucine 916 with valine.
Molecular consequence: missense variant.
Genome position (GRCh38, 1-based): chr2:73,449,273, A>G. VCF-style: chr2-73449273-A-G. GRCh37 (hg19) VCF-style: chr2-73676400-A-G.
Other names: c.2749A>G, p.Ile917Val (NM_015120.4); short protein forms I916V, I917V.
Identifiers: ClinVar variation 1474284 (VCV001474284.4), dbSNP rs1355707191, ClinGen allele CA347271730.
Genomic context (GRCh38, chr2:73,449,273, plus strand): 5'-CAGAAGACTGGGATACCCTCAGCACCATCTAGTTTCTACTCACACAGAGAGAAGCCCATT[A>G]TTTTTTCCCAGCAGACCCTGCCAGACTTTCTTTTCCCTGAAGAAGCTCTGAAGGTTTCAG-3'
Protein context (NP_001365383.1, residues 906-926): SFYSHREKPI[Ile916Val]FSQQTLPDFL

ClinVar aggregate classification (germline): Uncertain significance (1 of 4 stars; one submission).

Conditions:
Alstrom syndrome (ALMS). Identifiers: Orphanet 64, MedGen C0268425, MONDO:0008763, OMIM 203800.

Allele frequency attached by ClinVar (database versions not stated): gnomAD exomes below 0.00001.
gnomAD v4.1: 5 of 1,613,664 alleles (0.00031%); highest among the groups gnomAD compares: Non-Finnish European, 0.00042%; no homozygotes.

Submission:

Labcorp Genetics (formerly Invitae), Labcorp
Classification: Uncertain significance for Alstrom syndrome. Last evaluated: 2020-12-27. Review status: criteria provided, single submitter. Criteria: Invitae Variant Classification Sherloc (09022015). Collection method: clinical testing. Allele origin: germline.
Comment: This sequence change replaces isoleucine with valine at codon 917 of the ALMS1 protein (p.Ile917Val). The isoleucine residue is weakly conserved and there is a small physicochemical difference between isoleucine and valine. In summary, the available evidence is currently insufficient to determine the role of this variant in disease. Therefore, it has been classified as a Variant of Uncertain Significance. Experimental studies and prediction algorithms are not available or were not evaluated, and the functional significance of this variant is currently unknown. This variant has not been reported in the literature in individuals with ALMS1-related conditions. This variant is not present in population databases (ExAC no frequency).